The following is an entry in ClinVar:

NM_001365613.2(RRBP1):c.1245C>T (p.Ala415=)

Gene: RRBP1 (ribosome binding protein 1; minus strand). Cytogenetic location: 20p12.1.
Variant type: single nucleotide variant.
Coding change: c.1245C>T on transcript NM_001365613.2 (MANE Select); coding-DNA position 1245, C replaced by T.
Protein change: p.Ala415=; no amino-acid change (alanine 415 retained).
Molecular consequence: synonymous variant. On other transcripts: intron variant (2).
Genome position (GRCh38, 1-based): chr20:17,659,263, G>A on the plus strand (C>T on the coding strand, the complement: RRBP1 is on the minus strand). VCF-style: chr20-17659263-G-A. GRCh37 (hg19) VCF-style: chr20-17639908-G-A.
Other names: c.529-574C>T (NM_004587.3, NM_001042576.2).
Identifiers: ClinVar variation 2652214 (VCV002652214.24), dbSNP rs1568781814, ClinGen allele CA1015839884.
Genomic context (GRCh38, chr20:17,659,263, plus strand): 5'-GGCCCCCTCGGCCTTCTTGCCCTGGTTCTGGGCCCCCTCGGCCTTTTTGCCCTGATTCTG[G>A]GCCCCCTCGGCCTTTTTGCCCTGGTTCTGGGCACCCTCAGCCTTCTTGCCCTGGTTCTGG-3'
Protein context (NP_001352542.1, residues 405-425): AQNQGKKAEG[Ala415=]QNQGKKAEGA

ClinVar aggregate classification (germline): Likely benign (1 of 4 stars; one submission).

Submission:

CeGaT Center for Human Genetics Tuebingen
Classification: Likely benign. Last evaluated: 2022-12-01. Review status: criteria provided, single submitter. Criteria: CeGaT Center For Human Genetics Tuebingen Variant Classification Criteria Version 2. Collection method: clinical testing. Allele origin: germline. Affected: yes. Observed: 1 variant allele.
Comment: RRBP1: BP4, BP7